The following is an entry in ClinVar:

ClinVar aggregate classification (germline): Uncertain significance (1 of 4 stars; one submission).

Submission:

Ambry Genetics
Classification: Uncertain significance. Last evaluated: 2023-02-25. Review status: criteria provided, single submitter. Criteria: Ambry Variant Classification Scheme 2023. Collection method: clinical testing. Allele origin: germline.
Comment: The p.S28F variant (also known as c.83C>T), located in coding exon 1 of the TERF2IP gene, results from a C to T substitution at nucleotide position 83. The serine at codon 28 is replaced by phenylalanine, an amino acid with highly dissimilar properties. This amino acid position is conserved. In addition, this alteration is predicted to be tolerated by in silico analysis. Since supporting evidence is limited at this time, the clinical significance of this alteration remains unclear.

NM_018975.4(TERF2IP):c.83C>T (p.Ser28Phe)

Gene: TERF2IP (TERF2 interacting protein; plus strand). Cytogenetic location: 16q23.1.
Variant type: single nucleotide variant.
Coding change: c.83C>T on transcript NM_018975.4 (MANE Select); coding-DNA position 83, C replaced by T.
Protein change: p.Ser28Phe; replaces serine 28 with phenylalanine.
Molecular consequence: missense variant. On other transcripts: non-coding transcript variant (1).
Genome position (GRCh38, 1-based): chr16:75,647,965, C>T. VCF-style: chr16-75647965-C-T. GRCh37 (hg19) VCF-style: chr16-75681863-C-T.
Other names: short protein forms S28F.
Identifiers: ClinVar variation 2447548 (VCV002447548.2), dbSNP rs2082312822, ClinGen allele CA396817193.
Genomic context (GRCh38, chr16:75,647,965, plus strand): 5'-GCAAAGACCCCAACGGGCCCACCCATTCCTCGACTCTGTTCGTGAGGGACGACGGCAGCT[C>T]CATGTCCTTCTACGTGCGGCCCAGCCCGGCCAAGCGTCGGCTGTCGACGCTCATCCTGCA-3'
Protein context (NP_061848.2, residues 18-38): STLFVRDDGS[Ser28Phe]MSFYVRPSPA